The following is an entry in ClinVar:

NM_001365536.1(SCN9A):c.2964C>T (p.Leu988=)

Genes: SCN1A-AS1 (SCN1A and SCN9A antisense RNA 1; plus strand), SCN9A (sodium voltage-gated channel alpha subunit 9; minus strand). Cytogenetic location: 2q24.3.
Variant type: single nucleotide variant.
Coding change: c.2964C>T on transcript NM_001365536.1 (MANE Select); coding-DNA position 2964, C replaced by T.
Protein change: p.Leu988=; no amino-acid change (leucine 988 retained).
Molecular consequence: synonymous variant.
Genome position (GRCh38, 1-based): chr2:166,272,786, G>A on the plus strand (C>T on the coding strand, the complement: SCN9A is on the minus strand). VCF-style: chr2-166272786-G-A. GRCh37 (hg19) VCF-style: chr2-167129296-G-A.
Other names: p.Leu977=; c.2931C>T, p.Leu977= (NM_002977.4).
Identifiers: ClinVar variation 378566 (VCV000378566.41), dbSNP rs201430964, ClinGen allele CA1944159.
Genomic context (GRCh38, chr2:166,272,786, plus strand): 5'-TTCACGTAAGGTTTGTTTCACATAATTTATTCCCTTTTTAATTCTAGTCACTGCAATCTG[G>A]AGGTTGTTTGCATCAGGGTCTTCTTCAATTGCTGTAAGATTGTCTGAACTAAATGAGCTC-3'
Protein context (NP_001352465.1, residues 978-998): AIEEDPDANN[Leu988=]QIAVTRIKKG

ClinVar aggregate classification (germline): Conflicting classifications of pathogenicity. Review status: criteria provided, conflicting classifications (1 of 4 stars). 10 submissions from 10 submitters: Uncertain significance (1); Likely benign (9). Last evaluated 2026-01-24.

Conditions:
Neuropathy, hereditary sensory and autonomic, type 2A (HSAN2A). Also called: MORVAN DISEASE; NEUROPATHY, CONGENITAL SENSORY; NEUROPATHY, HEREDITARY SENSORY RADICULAR, AUTOSOMAL RECESSIVE; NEUROPATHY, HEREDITARY SENSORY, TYPE IIA; NEUROPATHY, PROGRESSIVE SENSORY, OF CHILDREN; WNK1-Related HSAN2 (HSAN2A). Identifiers: Orphanet 970, MedGen C2752089, MONDO:0024309, OMIM 201300.
Generalized epilepsy with febrile seizures plus, type 7 (GEFSP7). Also called: GEFS+, TYPE 7. Identifiers: Orphanet 36387, MedGen C2751778, MONDO:0013470, OMIM 613863.
Inborn genetic diseases. Identifiers: MedGen C0950123, MeSH D030342.
SCN9A-related disorder. Also called: SCN9A-related disorders; SCN9A-related condition.

Allele frequency attached by ClinVar (database versions not stated): gnomAD exomes 0.00018 and 0.00025; ExAC 0.00020; TOPMed 0.00023; gnomAD 0.00032 and 0.00035; 1000 Genomes Project 0.00040; 1000 Genomes Project 30x 0.00062.
gnomAD v4.1: 405 of 1,526,820 alleles (0.027%); highest among the groups gnomAD compares: Admixed American, 0.12%; no homozygotes.

Submissions (10):

Labcorp Genetics (formerly Invitae), Labcorp
Classification: Likely benign for Neuropathy, hereditary sensory and autonomic, type 2A; Generalized epilepsy with febrile seizures plus, type 7. Last evaluated: 2026-01-24. Review status: criteria provided, single submitter. Criteria: Invitae Variant Classification Sherloc (09022015). Collection method: clinical testing. Allele origin: germline.

PreventionGenetics, part of Exact Sciences
Classification: Likely benign for SCN9A-related condition. Last evaluated: 2026-01-16. Review status: criteria provided, single submitter. Criteria: ACMG Guidelines, 2015. Collection method: clinical testing. Allele origin: germline.
Comment: This variant is classified as likely benign based on ACMG/AMP sequence variant interpretation guidelines (Richards et al. 2015 PMID: 25741868, with internal and published modifications).

Mayo Clinic Laboratories, Mayo Clinic
Classification: Likely benign. Last evaluated: 2025-07-09. Review status: criteria provided, single submitter. Criteria: ACMG Guidelines, 2015. Collection method: clinical testing. Allele origin: germline. Observed: 1 variant allele.
Comment: BP4, BP7

Blueprint Genetics
Classification: Likely benign. Last evaluated: 2024-11-07. Review status: criteria provided, single submitter. Criteria: ACMG Guidelines, 2015. Collection method: clinical testing. Allele origin: germline.

CeGaT Center for Human Genetics Tuebingen
Classification: Likely benign. Last evaluated: 2024-10-01. Review status: criteria provided, single submitter. Criteria: CeGaT Center For Human Genetics Tuebingen Variant Classification Criteria Version 2. Collection method: clinical testing. Allele origin: germline. Affected: yes. Observed: 1 variant allele.
Comment: SCN9A: BP4, BP7

Women's Health and Genetics/Laboratory Corporation of America, LabCorp
Classification: Likely benign. Last evaluated: 2024-10-01. Review status: criteria provided, single submitter. Criteria: LabCorp Variant Classification Summary - May 2015. Collection method: clinical testing. Allele origin: germline.

Ambry Genetics
Classification: Likely benign for Inborn genetic diseases. Last evaluated: 2019-07-11. Review status: criteria provided, single submitter. Criteria: Ambry Variant Classification Scheme 2023. Collection method: clinical testing. Allele origin: germline.

GeneDx
Classification: Likely benign. Last evaluated: 2018-10-23. Review status: criteria provided, single submitter. Criteria: GeneDx Variant Classification Process June 2021. Collection method: clinical testing. Allele origin: germline. Affected: yes.

Athena Diagnostics
Classification: Likely benign. Last evaluated: 2017-10-12. Review status: criteria provided, single submitter. Criteria: Athena Diagnostics Criteria. Collection method: clinical testing. Allele origin: germline.

Eurofins Ntd Llc (ga)
Classification: Uncertain significance. Last evaluated: 2017-08-25. Review status: criteria provided, single submitter. Criteria: EGL Classification Definitions 2015. Collection method: clinical testing. Allele origin: germline. Observed: 1 variant allele, 1 heterozygote.